The following is an entry in ClinVar:

ClinVar aggregate classification (germline): Pathogenic. Review status: criteria provided, multiple submitters, no conflicts (2 of 4 stars). 2 submissions from 2 submitters: Pathogenic (2). Last evaluated 2024-03-12.

Conditions:
Duchenne muscular dystrophy (DMD). Also called: MUSCULAR DYSTROPHY, PSEUDOHYPERTROPHIC PROGRESSIVE, DUCHENNE TYPE; Duchenne Muscular Dystrophy (DMD). Identifiers: Orphanet 98896, MedGen C0013264, MONDO:0010679, OMIM 310200.

Submissions (2):

Labcorp Genetics (formerly Invitae), Labcorp
Classification: Pathogenic for Duchenne muscular dystrophy. Last evaluated: 2024-03-12. Review status: criteria provided, single submitter. Criteria: Invitae Variant Classification Sherloc (09022015). Collection method: clinical testing. Allele origin: germline.
Comment: This sequence change creates a premature translational stop signal (p.Glu1122Valfs*6) in the DMD gene. It is expected to result in an absent or disrupted protein product. Loss-of-function variants in DMD are known to be pathogenic (PMID: 16770791, 25007885). This variant is not present in population databases (gnomAD no frequency). This premature translational stop signal has been observed in individual(s) with Duchenne muscular dystrophy (PMID: 10464635). This variant is also known as 3571-3572delAG; E1120>fs. Algorithms developed to predict the effect of sequence changes on RNA splicing suggest that this variant may disrupt the consensus splice site. For these reasons, this variant has been classified as Pathogenic.

Eurofins Ntd Llc (ga)
Classification: Pathogenic. Last evaluated: 2017-03-02. Review status: criteria provided, single submitter. Criteria: EGL Classification Definitions 2015. Collection method: clinical testing. Allele origin: germline. Observed: 1 variant allele, 1 hemizygote.

Literature cited by the submitters: PubMed 16770791 (cited by Labcorp Genetics (formerly Invitae), Labcorp); PubMed 25007885 (cited by Labcorp Genetics (formerly Invitae), Labcorp); PubMed 10464635 (cited by Labcorp Genetics (formerly Invitae), Labcorp).

NM_004006.3(DMD):c.3365_3366del (p.Glu1122fs)

Gene: DMD (dystrophin; minus strand). Cytogenetic location: Xp21.1.
Variant type: Microsatellite.
Coding change: c.3365_3366del on transcript NM_004006.3 (MANE Select); coding-DNA positions 3365 to 3366, 2 bases deleted (AG; older notation c.3365_3366delAG).
Protein change: p.Glu1122fs; shifts the reading frame from glutamic acid 1122.
Molecular consequence: frameshift variant.
Genome position (GRCh38, 1-based): chrX:32,463,505-32,463,506, CT deleted on the plus strand (AG on the coding strand, the reverse complement: DMD is on the minus strand); deleting any 2 consecutive bases within chrX:32,463,505-32,463,508 gives the same sequence; the c. name uses the placement nearest the transcript's 3' end. VCF-style (leftmost placement, unchanged base first): chrX-32463504-ACT-A. GRCh37 (hg19) VCF-style: chrX-32481621-ACT-A.
Other names: c.3341_3342del, p.Glu1114fs (NM_000109.4); c.3353_3354del, p.Glu1118fs (NM_004009.3); c.2996_2997del, p.Glu999fs (NM_004010.3); short protein forms E1122fs, E1114fs, E1118fs, E999fs.
Identifiers: ClinVar variation 500255 (VCV000500255.10), dbSNP rs1057518284, ClinGen allele CA658799650.
Genomic context (GRCh38, chrX:32,463,504, plus strand): 5'-GGCACATGTGATCCCACTGAGTGTTAAGTTCTTTGAGTTCTGTCTCAAGTCTCGAAGCAA[ACT>A]CTGGCTCTGCTTCATTCTTTATCTTCTGCCCACCTTCATTGACACTGTTTAGACTGGGCT-3'